The following is an entry in ClinVar:

NM_002332.3(LRP1):c.6403C>T (p.Arg2135Ter)

Gene: LRP1 (LDL receptor related protein 1; plus strand). Cytogenetic location: 12q13.3.
Variant type: single nucleotide variant.
Coding change: c.6403C>T on transcript NM_002332.3 (MANE Select); coding-DNA position 6403, C replaced by T.
Protein change: p.Arg2135Ter; replaces arginine 2135 with a stop codon.
Molecular consequence: nonsense.
Genome position (GRCh38, 1-based): chr12:57,185,145, C>T. VCF-style: chr12-57185145-C-T. GRCh37 (hg19) VCF-style: chr12-57578928-C-T.
Other names: short protein forms R2135*.
Identifiers: ClinVar variation 4975058 (VCV004975058.2).

ClinVar aggregate classification (germline): Conflicting classifications of pathogenicity. Review status: criteria provided, conflicting classifications (1 of 4 stars). 2 submissions from 2 submitters: Likely pathogenic (1); Uncertain significance (1). Last evaluated 2026-08-06.

Conditions:
Keratosis pilaris atrophicans (KPA). Also called: Burnett Schwartz Berberian syndrome; ​Keratosis pilaris atrophicans. Identifiers: Orphanet 498, MedGen C0263428, MONDO:0018855, OMIM 604093.

gnomAD v4.1: 1 of 1,614,118 alleles (0.000062%); highest among the groups gnomAD compares: Non-Finnish European, 0.000085%; no homozygotes.

Submissions (2):

OLLIN Analises Genomicas, OLLIN
Classification: Likely pathogenic for Keratosis pilaris atrophicans. Last evaluated: 2026-08-06. Review status: criteria provided, single submitter. Criteria: ACMG Guidelines 2015 PMID 25741868. Collection method: clinical testing. Allele origin: germline.
Comment: This nonsense variant, located in exon 40 (of 89), has been observed in gnomAD with an allele frequency of 0.000062%, but has not been reported in ClinVar or identified in the literature. This variant introduces a premature stop codon, which is predicted to result in either a truncated protein or degradation of the mRNA via nonsense-mediated decay (NMD). According to the currently available evidence, this variant has been classified as likely pathogenic (PVS1, PM2_P).

GeneDx
Classification: Uncertain significance. Last evaluated: 2024-10-15. Review status: criteria provided, single submitter. Criteria: GeneDx Variant Classification Process June 2021. Collection method: clinical testing. Allele origin: germline.
Comment: Not observed at significant frequency in large population cohorts (gnomAD); Nonsense variant predicted to result in protein truncation or nonsense mediated decay in a gene or region of a gene for which loss of function is not a well-established mechanism of disease; Has not been previously published as pathogenic or benign to our knowledge; Variants in candidate genes are classified as variants of uncertain significance in accordance with ACMG guidelines (PMID: 25741868)